The following is an entry in ClinVar:

ClinVar aggregate classification (germline): Uncertain significance (1 of 4 stars; one submission).

Allele frequency attached by ClinVar (database versions not stated): ESP Exome Variant Server 0.00015.
gnomAD v4.1: 29 of 1,605,626 alleles (0.0018%); highest among the groups gnomAD compares: African/African-American, 0.0027%; no homozygotes.

Submission:

Labcorp Genetics (formerly Invitae), Labcorp
Classification: Uncertain significance. Last evaluated: 2025-06-17. Review status: criteria provided, single submitter. Criteria: Invitae Variant Classification Sherloc (09022015). Collection method: clinical testing. Allele origin: germline.
Comment: This sequence change replaces alanine, which is neutral and non-polar, with threonine, which is neutral and polar, at codon 1256 of the AHDC1 protein (p.Ala1256Thr). The frequency data for this variant in the population databases is considered unreliable, as metrics indicate poor data quality at this position in the gnomAD database. This variant has not been reported in the literature in individuals affected with AHDC1-related conditions. ClinVar contains an entry for this variant (Variation ID: 2073486). An algorithm developed to predict the effect of missense changes on protein structure and function outputs the following: PolyPhen-2: "Benign". The threonine amino acid residue is found in multiple mammalian species, which suggests that this missense change does not adversely affect protein function. In summary, the available evidence is currently insufficient to determine the role of this variant in disease. Therefore, it has been classified as a Variant of Uncertain Significance.

NM_001371928.1(AHDC1):c.3766G>A (p.Ala1256Thr)

Gene: AHDC1 (AT-hook DNA binding motif containing 1; minus strand). Cytogenetic location: 1p36.11.
Variant type: single nucleotide variant.
Coding change: c.3766G>A on transcript NM_001371928.1 (MANE Select); coding-DNA position 3766, G replaced by A.
Protein change: p.Ala1256Thr; replaces alanine 1256 with threonine.
Molecular consequence: missense variant.
Genome position (GRCh38, 1-based): chr1:27,548,350, C>T on the plus strand (G>A on the coding strand, the complement: AHDC1 is on the minus strand). VCF-style: chr1-27548350-C-T. GRCh37 (hg19) VCF-style: chr1-27874861-C-T.
Other names: c.3766G>A, p.Ala1256Thr (NM_001029882.3); c.-278G>A (NM_015699.1); short protein forms A1256T.
Identifiers: ClinVar variation 2073486 (VCV002073486.4), dbSNP rs147020238, ClinGen allele CA715499.